The following is an entry in ClinVar:

NM_020949.3(SLC7A14):c.1630A>G (p.Met544Val)

Genes: SLC7A14 (solute carrier family 7 member 14; minus strand), SLC7A14-AS1 (SLC7A14 antisense RNA 1; plus strand). Cytogenetic location: 3q26.2.
Variant type: single nucleotide variant.
Coding change: c.1630A>G on transcript NM_020949.3 (MANE Select); coding-DNA position 1630, A replaced by G.
Protein change: p.Met544Val; replaces methionine 544 with valine.
Molecular consequence: missense variant.
Genome position (GRCh38, 1-based): chr3:170,480,652, T>C on the plus strand (A>G on the coding strand, the complement: SLC7A14 is on the minus strand). VCF-style: chr3-170480652-T-C. GRCh37 (hg19) VCF-style: chr3-170198441-T-C.
Other names: c.1630A>G (NM_020949.2); short protein forms M544V.
Identifiers: ClinVar variation 2697386 (VCV002697386.4), dbSNP rs2473367494, ClinGen allele CA355489836.
Genomic context (GRCh38, chr3:170,480,652, plus strand): 5'-TGTGCCCCGTCGCTGCTGTGGGCCGGTCCATTTTGCCTGGAAGGCCCAGCCGGATTCTCA[T>C]GGTGTAATAATGAGGCCCAATCAGCTTCTTTAACTTGATGAGATAAATATTTTCGGATTC-3'
Protein context (NP_066000.2, residues 534-554): KKLIGPHYYT[Met544Val]RIRLGLPGKM

ClinVar aggregate classification (germline): Uncertain significance. Review status: criteria provided, multiple submitters, no conflicts (2 of 4 stars). 2 submissions from 2 submitters: Uncertain significance (2). Last evaluated 2023-11-19.

Allele frequency attached by ClinVar (database versions not stated): gnomAD exomes below 0.00001.
gnomAD v4.1: 2 of 1,614,256 alleles (0.00012%); highest among the groups gnomAD compares: Non-Finnish European, 0.00017%; no homozygotes.

Submissions (2):

Labcorp Genetics (formerly Invitae), Labcorp
Classification: Uncertain significance. Last evaluated: 2023-11-19. Review status: criteria provided, single submitter. Criteria: Invitae Variant Classification Sherloc (09022015). Collection method: clinical testing. Allele origin: germline.
Comment: This sequence change replaces methionine, which is neutral and non-polar, with valine, which is neutral and non-polar, at codon 544 of the SLC7A14 protein (p.Met544Val). This variant is not present in population databases (gnomAD no frequency). This variant has not been reported in the literature in individuals affected with SLC7A14-related conditions. An algorithm developed to predict the effect of missense changes on protein structure and function (PolyPhen-2) suggests that this variant is likely to be tolerated. In summary, the available evidence is currently insufficient to determine the role of this variant in disease. Therefore, it has been classified as a Variant of Uncertain Significance.

Ambry Genetics
Classification: Uncertain significance. Last evaluated: 2023-09-29. Review status: criteria provided, single submitter. Criteria: Ambry Variant Classification Scheme 2023. Collection method: clinical testing. Allele origin: germline.